The following is an entry in ClinVar:

NM_000268.4(NF2):c.359T>C (p.Leu120Ser)

Gene: NF2 (NF2, moesin-ezrin-radixin like (MERLIN) tumor suppressor; plus strand). Cytogenetic location: 22q12.2.
Variant type: single nucleotide variant.
Coding change: c.359T>C on transcript NM_000268.4 (MANE Select); coding-DNA position 359, T replaced by C.
Protein change: p.Leu120Ser; replaces leucine 120 with serine.
Molecular consequence: missense variant. On other transcripts: non-coding transcript variant (1), intron variant (3).
Genome position (GRCh38, 1-based): chr22:29,639,208, T>C. VCF-style: chr22-29639208-T-C. GRCh37 (hg19) VCF-style: chr22-30035197-T-C.
Other names: c.128T>C, p.Leu43Ser (NM_001407067.1); c.359T>C, p.Leu120Ser (NM_016418.5, NM_181825.3, NM_181832.3 and 5 more transcripts); c.233T>C, p.Leu78Ser (NM_181828.3, NM_001407055.1); c.240+2332T>C (NM_181829.3); c.115-2994T>C (NM_181830.3, NM_181831.3); c.245T>C, p.Leu82Ser (NM_001407053.1, NM_001407056.1); c.-282T>C (NM_001407065.1); short protein forms L82S, L43S, L120S, L78S.
Identifiers: ClinVar variation 2150849 (VCV002150849.7), dbSNP rs2146873099, ClinGen allele CA411153392.

ClinVar aggregate classification (germline): Uncertain significance. Review status: criteria provided, multiple submitters, no conflicts (2 of 4 stars). 4 submissions from 4 submitters: Uncertain significance (4). Last evaluated 2025-06-06.

Conditions:
Hereditary cancer-predisposing syndrome. Also called: Neoplastic Syndromes, Hereditary; Hereditary Cancer Syndrome; Hereditary neoplastic syndrome; Tumor predisposition. Identifiers: Orphanet 140162, MedGen C0027672, MeSH D009386, MONDO:0015356.
Neurofibromatosis, type 2 (SWNV). Also called: SCHWANNOMATOSIS, VESTIBULAR; BILATERAL ACOUSTIC NEUROFIBROMATOSIS; NF2-Related Schwannomatosis. Identifiers: Orphanet 637, MedGen C0027832, MONDO:0007039, OMIM 101000. Disease mechanism: loss of function.

Submissions (4):

Ambry Genetics
Classification: Uncertain significance for Hereditary cancer-predisposing syndrome. Last evaluated: 2025-06-06. Review status: criteria provided, single submitter. Criteria: Ambry Variant Classification Scheme 2023. Collection method: clinical testing. Allele origin: germline.
Comment: The p.L120S variant (also known as c.359T>C), located in coding exon 3 of the NF2 gene, results from a T to C substitution at nucleotide position 359. The leucine at codon 120 is replaced by serine, an amino acid with dissimilar properties. This amino acid position is conserved. In addition, this alteration is predicted to be deleterious by in silico analysis. Based on the available evidence, the clinical significance of this variant remains unclear.

GeneDx
Classification: Uncertain significance. Last evaluated: 2023-11-01. Review status: criteria provided, single submitter. Criteria: GeneDx Variant Classification Process June 2021. Collection method: clinical testing. Allele origin: germline. Affected: yes.
Comment: Not observed at significant frequency in large population cohorts (gnomAD); In silico analysis supports that this missense variant has a deleterious effect on protein structure/function; Has not been previously published as pathogenic or benign to our knowledge; This variant is associated with the following publications: (PMID: 11756419, 16324214)

All of Us Research Program, National Institutes of Health
Classification: Uncertain significance for Neurofibromatosis, type 2. Last evaluated: 2023-08-15. Review status: criteria provided, single submitter. Criteria: ACMG Guidelines, 2015. Collection method: clinical testing. Allele origin: germline. Inheritance: Autosomal dominant inheritance. Observed: 1 variant allele, 1 heterozygote.
Comment: This study involves interpretation of variants in research participants for the purpose of population health screening. Participant phenotype was not available at the time of variant classification. Additional details can be found in publication PMID: 35346344, PMCID: PMC8962531

Labcorp Genetics (formerly Invitae), Labcorp
Classification: Uncertain significance for Neurofibromatosis, type 2. Last evaluated: 2023-05-30. Review status: criteria provided, single submitter. Criteria: Invitae Variant Classification Sherloc (09022015). Collection method: clinical testing. Allele origin: germline.
Comment: This sequence change replaces leucine, which is neutral and non-polar, with serine, which is neutral and polar, at codon 120 of the NF2 protein (p.Leu120Ser). This variant is not present in population databases (gnomAD no frequency). This variant has not been reported in the literature in individuals affected with NF2-related conditions. ClinVar contains an entry for this variant (Variation ID: 2150849). Advanced modeling of protein sequence and biophysical properties (such as structural, functional, and spatial information, amino acid conservation, physicochemical variation, residue mobility, and thermodynamic stability) performed at Invitae indicates that this missense variant is expected to disrupt NF2 protein function. In summary, the available evidence is currently insufficient to determine the role of this variant in disease. Therefore, it has been classified as a Variant of Uncertain Significance.